The following is an entry in ClinVar:

NM_080680.3(COL11A2):c.2843C>A (p.Pro948Gln)

Gene: COL11A2 (collagen type XI alpha 2 chain; minus strand). Cytogenetic location: 6p21.32.
Variant type: single nucleotide variant.
Coding change: c.2843C>A on transcript NM_080680.3 (MANE Select); coding-DNA position 2843, C replaced by A.
Protein change: p.Pro948Gln; replaces proline 948 with glutamine.
Molecular consequence: missense variant.
Genome position (GRCh38, 1-based): chr6:33,172,585, G>T on the plus strand (C>A on the coding strand, the complement: COL11A2 is on the minus strand). VCF-style: chr6-33172585-G-T. GRCh37 (hg19) VCF-style: chr6-33140362-G-T.
Other names: c.2522C>A, p.Pro841Gln (NM_080679.3); c.2585C>A, p.Pro862Gln (NM_080681.3); short protein forms P841Q, P862Q, P948Q.
Identifiers: ClinVar variation 2429597 (VCV002429597.4), dbSNP rs779187034, ClinGen allele CA3750713.
Genomic context (GRCh38, chr6:33,172,585, plus strand): 5'-CTGACCTTTGTTCCTTCTTTTCCAGCTGTCCCAGGTAGTCCCTGCTCTCCAGGGGGCCCC[G>T]GGGGGCCTGGGTGACCTCTCTCCCCCATAGGGCCGGTTTCTCCTGCTGCTCCCTAGACAA-3'
Protein context (NP_542411.2, residues 938-958): PMGERGHPGP[Pro948Gln]GPPGEQGLPG

ClinVar aggregate classification (germline): Conflicting classifications of pathogenicity. Review status: criteria provided, conflicting classifications (1 of 4 stars). 2 submissions from 2 submitters: Uncertain significance (1); Likely benign (1). Last evaluated 2024-01-18.

gnomAD v4.1: 20 of 1,612,150 alleles (0.0012%); highest among the groups gnomAD compares: Admixed American, 0.005%; no homozygotes.

Submissions (2):

Labcorp Genetics (formerly Invitae), Labcorp
Classification: Likely benign. Last evaluated: 2024-01-18. Review status: criteria provided, single submitter. Criteria: Invitae Variant Classification Sherloc (09022015). Collection method: clinical testing. Allele origin: germline.

GeneDx
Classification: Uncertain significance. Last evaluated: 2023-01-23. Review status: criteria provided, single submitter. Criteria: GeneDx Variant Classification Process June 2021. Collection method: clinical testing. Allele origin: germline. Affected: yes.
Comment: Not observed at significant frequency in large population cohorts (gnomAD); In silico analysis supports that this missense variant has a deleterious effect on protein structure/function; Has not been previously published as pathogenic or benign to our knowledge